The following is an entry in ClinVar:

NM_005419.4(STAT2):c.1291A>C (p.Ile431Leu)

Gene: STAT2 (signal transducer and activator of transcription 2; minus strand). Cytogenetic location: 12q13.3.
Variant type: single nucleotide variant.
Coding change: c.1291A>C on transcript NM_005419.4 (MANE Select); coding-DNA position 1291, A replaced by C.
Protein change: p.Ile431Leu; replaces isoleucine 431 with leucine.
Molecular consequence: missense variant.
Genome position (GRCh38, 1-based): chr12:56,349,476, T>G on the plus strand (A>C on the coding strand, the complement: STAT2 is on the minus strand). VCF-style: chr12-56349476-T-G. GRCh37 (hg19) VCF-style: chr12-56743260-T-G.
Other names: c.1258A>C, p.Ile420Leu (NM_001385110.1); c.1291A>C, p.Ile431Leu (NM_001385111.1, NM_001385113.1); c.1270A>C, p.Ile424Leu (NM_001385114.1); c.1279A>C, p.Ile427Leu (NM_001385115.1, NM_198332.2); short protein forms I424L, I427L, I431L, I420L.
Identifiers: ClinVar variation 1478414 (VCV001478414.8), dbSNP rs1210130386, ClinGen allele CA385261348.

ClinVar aggregate classification (germline): Uncertain significance (1 of 4 stars; one submission).

Conditions:
Primary immunodeficiency with post-measles-mumps-rubella vaccine viral infection. Also called: Immunodeficiency 44. Identifiers: Orphanet 431166, MedGen C4225260, MONDO:0014715, OMIM 616636.

Allele frequency attached by ClinVar (database versions not stated): gnomAD exomes below 0.00001.
gnomAD v4.1: 1 of 1,614,232 alleles (0.000062%); highest among the groups gnomAD compares: Non-Finnish European, 0.000085%; no homozygotes.

Submission:

Labcorp Genetics (formerly Invitae), Labcorp
Classification: Uncertain significance for Primary immunodeficiency with post-measles-mumps-rubella vaccine viral infection. Last evaluated: 2021-04-02. Review status: criteria provided, single submitter. Criteria: Invitae Variant Classification Sherloc (09022015). Collection method: clinical testing. Allele origin: germline.
Comment: Algorithms developed to predict the effect of missense changes on protein structure and function (SIFT, PolyPhen-2, Align-GVGD) all suggest that this variant is likely to be tolerated, but these predictions have not been confirmed by published functional studies and their clinical significance is uncertain. In summary, the available evidence is currently insufficient to determine the role of this variant in disease. Therefore, it has been classified as a Variant of Uncertain Significance. This variant has not been reported in the literature in individuals with STAT2-related conditions. This variant is not present in population databases (ExAC no frequency). This sequence change replaces isoleucine with leucine at codon 431 of the STAT2 protein (p.Ile431Leu). The isoleucine residue is highly conserved and there is a small physicochemical difference between isoleucine and leucine.